The following is an entry in ClinVar:

ClinVar aggregate classification (germline): Uncertain significance (1 of 4 stars; one submission).

Conditions:
Familial adenomatous polyposis 1 (FAP1). Also called: POLYPOSIS, ADENOMATOUS INTESTINAL; FAMILIAL ADENOMATOUS POLYPOSIS 1, ATTENUATED. Identifiers: MedGen C2713442, MONDO:0021056, OMIM 175100. Disease mechanism: loss of function.

Submission:

Labcorp Genetics (formerly Invitae), Labcorp
Classification: Uncertain significance for Familial adenomatous polyposis 1. Last evaluated: 2023-12-27. Review status: criteria provided, single submitter. Criteria: Invitae Variant Classification Sherloc (09022015). Collection method: clinical testing. Allele origin: germline.
Comment: This sequence change replaces arginine, which is basic and polar, with proline, which is neutral and non-polar, at codon 2237 of the APC protein (p.Arg2237Pro). This variant is not present in population databases (gnomAD no frequency). This variant has not been reported in the literature in individuals affected with APC-related conditions. ClinVar contains an entry for this variant (Variation ID: 2092657). Advanced modeling of protein sequence and biophysical properties (such as structural, functional, and spatial information, amino acid conservation, physicochemical variation, residue mobility, and thermodynamic stability) performed at Invitae indicates that this missense variant is not expected to disrupt APC protein function with a negative predictive value of 95%. In summary, the available evidence is currently insufficient to determine the role of this variant in disease. Therefore, it has been classified as a Variant of Uncertain Significance.

NM_000038.6(APC):c.6710G>C (p.Arg2237Pro)

Gene: APC (APC regulator of Wnt signaling pathway; plus strand). Cytogenetic location: 5q22.2.
Variant type: single nucleotide variant.
Coding change: c.6710G>C on transcript NM_000038.6 (MANE Select); coding-DNA position 6710, G replaced by C.
Protein change: p.Arg2237Pro; replaces arginine 2237 with proline.
Molecular consequence: missense variant.
Genome position (GRCh38, 1-based): chr5:112,842,304, G>C. VCF-style: chr5-112842304-G-C. GRCh37 (hg19) VCF-style: chr5-112178001-G-C.
Other names: c.6710G>C, p.Arg2237Pro (NM_001127510.3, NM_001354895.2, NM_001407450.1); c.6656G>C, p.Arg2219Pro (NM_001127511.3); c.6764G>C, p.Arg2255Pro (NM_001354896.2, NM_001407447.1, NM_001407448.1 and 1 more transcripts); c.6740G>C, p.Arg2247Pro (NM_001354897.2); c.6635G>C, p.Arg2212Pro (NM_001354898.2); c.6626G>C, p.Arg2209Pro (NM_001354899.2); c.6587G>C, p.Arg2196Pro (NM_001354900.2); c.6533G>C, p.Arg2178Pro (NM_001354901.2, NM_001407453.1); and 11 more; short protein forms R2077P, R2136P, R2146P, R2219P, R2227P, R2247P, R2108P, R2265P.
Identifiers: ClinVar variation 2092657 (VCV002092657.4), dbSNP rs1299714632, ClinGen allele CA16035996.